The following is an entry in ClinVar:

ClinVar aggregate classification (germline): Uncertain significance (1 of 4 stars; one submission).

Conditions:
Retinoblastoma (RB1). Also called: RETINOBLASTOMA, SOMATIC. Identifiers: Orphanet 790, MedGen C0035335, MeSH D012175, MONDO:0008380, OMIM 180200, HP:0009919. Disease mechanism: loss of function. Inheritance: Both sporadic and heritable forms are tested..

Submission:

Labcorp Genetics (formerly Invitae), Labcorp
Classification: Uncertain significance for Retinoblastoma. Last evaluated: 2022-08-21. Review status: criteria provided, single submitter. Criteria: Invitae Variant Classification Sherloc (09022015). Collection method: clinical testing. Allele origin: germline.
Comment: In summary, the available evidence is currently insufficient to determine the role of this variant in disease. Therefore, it has been classified as a Variant of Uncertain Significance. Algorithms developed to predict the effect of missense changes on protein structure and function (SIFT, PolyPhen-2, Align-GVGD) all suggest that this variant is likely to be disruptive. This variant has not been reported in the literature in individuals affected with RB1-related conditions. This variant is not present in population databases (gnomAD no frequency). This sequence change replaces arginine, which is basic and polar, with serine, which is neutral and polar, at codon 254 of the RB1 protein (p.Arg254Ser).

NM_000321.3(RB1):c.762G>T (p.Arg254Ser)

Gene: RB1 (RB transcriptional corepressor 1; plus strand). Cytogenetic location: 13q14.2.
Variant type: single nucleotide variant.
Coding change: c.762G>T on transcript NM_000321.3 (MANE Select); coding-DNA position 762, G replaced by T.
Protein change: p.Arg254Ser; replaces arginine 254 with serine.
Molecular consequence: missense variant.
Genome position (GRCh38, 1-based): chr13:48,362,858, G>T. VCF-style: chr13-48362858-G-T. GRCh37 (hg19) VCF-style: chr13-48936994-G-T.
Other names: c.762G>T, p.Arg254Ser (NM_001407165.1, NM_001407166.1); short protein forms R254S.
Identifiers: ClinVar variation 1717304 (VCV001717304.5), dbSNP rs2138112310, ClinGen allele CA388159353.
Genomic context (GRCh38, chr13:48,362,858, plus strand): 5'-ATTTACCACTTTTACAGAAACAGCTGTTATACCCATTAATGGTTCACCTCGAACACCCAG[G>T]CGAGGTCAGAACAGGAGTGCACGGATAGCAAAACAACTAGAAAATGATACAAGAATTATT-3'
Protein context (NP_000312.2, residues 244-264): IPINGSPRTP[Arg254Ser]RGQNRSARIA